The following is an entry in ClinVar:

NM_130384.3(ATRIP):c.1008T>A (p.Ser336Arg)

Genes: ATRIP (ATR interacting protein; plus strand), ATRIP-TREX1 (ATRIP-TREX1 readthrough; plus strand). Cytogenetic location: 3p21.31.
Variant type: single nucleotide variant.
Coding change: c.1008T>A on transcript NM_130384.3 (MANE Select); coding-DNA position 1008, T replaced by A.
Protein change: p.Ser336Arg; replaces serine 336 with arginine.
Molecular consequence: missense variant. On other transcripts: non-coding transcript variant (1).
Genome position (GRCh38, 1-based): chr3:48,459,869, T>A. VCF-style: chr3-48459869-T-A. GRCh37 (hg19) VCF-style: chr3-48501268-T-A.
Other names: c.627T>A, p.Ser209Arg (NM_001271022.2); c.729T>A, p.Ser243Arg (NM_001271023.2); c.1008T>A, p.Ser336Arg (NM_032166.4); short protein forms S209R, S243R, S336R.
Identifiers: ClinVar variation 3976843 (VCV003976843.1).

ClinVar aggregate classification (germline): Uncertain significance (1 of 4 stars; one submission).

Submission:

Ambry Genetics
Classification: Uncertain significance. Last evaluated: 2025-05-25. Review status: criteria provided, single submitter. Criteria: Ambry Variant Classification Scheme 2023. Collection method: clinical testing. Allele origin: germline.
Comment: The p.S336R variant (also known as c.1008T>A), located in coding exon 7 of the ATRIP gene, results from a T to A substitution at nucleotide position 1008. The serine at codon 336 is replaced by arginine, an amino acid with dissimilar properties. This amino acid position is conserved. In addition, this alteration is predicted to be tolerated by in silico analysis. Based on the available evidence, the clinical significance of this variant remains unclear.